The following is an entry in ClinVar:

ClinVar aggregate classification (germline): Uncertain significance (1 of 4 stars; one submission).

Conditions:
Dilated cardiomyopathy 1AA (CMD1AA). Also called: CARDIOMYOPATHY, DILATED, 1AA, WITH OR WITHOUT LEFT VENTRICULAR NONCOMPACTION; CARDIOMYOPATHY, FAMILIAL HYPERTROPHIC, 23, WITH OR WITHOUT LEFT VENTRICULAR NONCOMPACTION; Cardiomyopathy, dilated, 1AA, with or without LVNC. Identifiers: Orphanet 154, MedGen C2677338, MONDO:0012808, OMIM 612158.
Primary familial hypertrophic cardiomyopathy (HCM). Identifiers: Orphanet 99739, MedGen C0949658, MeSH D024741, MONDO:0024573. Inheritance: Various modes of inheritance.

Submission:

Labcorp Genetics (formerly Invitae), Labcorp
Classification: Uncertain significance for Primary familial hypertrophic cardiomyopathy; Dilated cardiomyopathy 1AA. Last evaluated: 2025-11-06. Review status: criteria provided, single submitter. Criteria: Invitae Variant Classification Sherloc (09022015). Collection method: clinical testing. Allele origin: germline.
Comment: This sequence change replaces leucine, which is neutral and non-polar, with proline, which is neutral and non-polar, at codon 850 of the ACTN2 protein (p.Leu850Pro). This variant is not present in population databases (gnomAD no frequency). This variant has not been reported in the literature in individuals affected with ACTN2-related conditions. Invitae Evidence Modeling of protein sequence and biophysical properties (such as structural, functional, and spatial information, amino acid conservation, physicochemical variation, residue mobility, and thermodynamic stability) indicates that this missense variant is expected to disrupt ACTN2 protein function with a positive predictive value of 95%. In summary, the available evidence is currently insufficient to determine the role of this variant in disease. Therefore, it has been classified as a Variant of Uncertain Significance.

NM_001103.4(ACTN2):c.2549T>C (p.Leu850Pro)

Gene: ACTN2 (actinin alpha 2; plus strand). Cytogenetic location: 1q43.
Variant type: single nucleotide variant.
Coding change: c.2549T>C on transcript NM_001103.4 (MANE Select); coding-DNA position 2549, T replaced by C.
Protein change: p.Leu850Pro; replaces leucine 850 with proline.
Molecular consequence: missense variant. On other transcripts: non-coding transcript variant (1).
Genome position (GRCh38, 1-based): chr1:236,762,483, T>C. VCF-style: chr1-236762483-T-C. GRCh37 (hg19) VCF-style: chr1-236925783-T-C.
Other names: c.2549T>C, p.Leu850Pro (NM_001278343.2); short protein forms L850P.
Identifiers: ClinVar variation 4789276 (VCV004789276.1).
Genomic context (GRCh38, chr1:236,762,483, plus strand): 5'-CTGCAACTGACTGCAAACACGTGTGTATTTTTTCCCAGCCATACATCCTGGCGGAGGAGC[T>C]GCGTCGGGAGCTGCCCCCGGATCAGGCCCAGTACTGCATCAAGAGGATGCCCGCCTACTC-3'
Protein context (NP_001094.1, residues 840-860): SDKPYILAEE[Leu850Pro]RRELPPDQAQ